The following is an entry in ClinVar:

NM_001370298.3(FGD4):c.1462C>T (p.Arg488Trp)

Gene: FGD4 (FYVE, RhoGEF and PH domain containing 4; plus strand). Cytogenetic location: 12p11.21.
Variant type: single nucleotide variant.
Coding change: c.1462C>T on transcript NM_001370298.3 (MANE Select); coding-DNA position 1462, C replaced by T.
Protein change: p.Arg488Trp; replaces arginine 488 with tryptophan.
Molecular consequence: missense variant.
Genome position (GRCh38, 1-based): chr12:32,608,014, C>T. VCF-style: chr12-32608014-C-T. GRCh37 (hg19) VCF-style: chr12-32760948-C-T.
Other names: c.772C>T, p.Arg258Trp (NM_001384130.1, NM_001330373.2, NM_001330374.2); c.1051C>T, p.Arg351Trp (NM_001385118.1, NM_139241.3, NM_001384127.1 and 1 more transcripts); c.1306C>T, p.Arg436Trp (NM_001304481.2); c.307C>T, p.Arg103Trp (NM_001304483.2); c.19C>T, p.Arg7Trp (NM_001304484.2); c.499C>T, p.Arg167Trp (NM_001370297.1); c.1462C>T, p.Arg488Trp (NM_001384126.1); short protein forms R258W, R351W, R7W, R103W, R167W, R436W, R488W.
Identifiers: ClinVar variation 3712296 (VCV003712296.2).

ClinVar aggregate classification (germline): Uncertain significance (1 of 4 stars; one submission).

Conditions:
Charcot-Marie-Tooth disease type 4. Also called: Charcot-Marie-Tooth, Type 4; Charcot-Marie-Tooth disease, type IV. Identifiers: Orphanet 64749, MedGen C4082197, MONDO:0018995.

gnomAD v4.1: 3 of 1,614,164 alleles (0.00019%); highest among the groups gnomAD compares: Non-Finnish European, 0.00025%; no homozygotes.

Submission:

Labcorp Genetics (formerly Invitae), Labcorp
Classification: Uncertain significance for Charcot-Marie-Tooth disease type 4. Last evaluated: 2024-08-11. Review status: criteria provided, single submitter. Criteria: Invitae Variant Classification Sherloc (09022015). Collection method: clinical testing. Allele origin: germline.
Comment: This sequence change replaces arginine, which is basic and polar, with tryptophan, which is neutral and slightly polar, at codon 351 of the FGD4 protein (p.Arg351Trp). This variant is present in population databases (rs567870963, gnomAD 0.002%). This variant has not been reported in the literature in individuals affected with FGD4-related conditions. Advanced modeling of protein sequence and biophysical properties (such as structural, functional, and spatial information, amino acid conservation, physicochemical variation, residue mobility, and thermodynamic stability) performed at Invitae indicates that this missense variant is expected to disrupt FGD4 protein function with a positive predictive value of 80%. In summary, the available evidence is currently insufficient to determine the role of this variant in disease. Therefore, it has been classified as a Variant of Uncertain Significance.